The following is an entry in ClinVar:

ClinVar aggregate classification (germline): Uncertain significance. Review status: criteria provided, multiple submitters, no conflicts (2 of 4 stars). 4 submissions from 3 submitters: Uncertain significance (4). Last evaluated 2023-11-04.

Conditions:
Retinitis pigmentosa 39 (RP39). Identifiers: Orphanet 791, MedGen C3151138, MONDO:0013436, OMIM 613809.
Usher syndrome type 2A. Also called: USHER SYNDROME, TYPE IIA; RETINAL DISEASE IN USHER SYNDROME TYPE IIA, MODIFIER OF. Identifiers: Orphanet 231178, Orphanet 886, MedGen C1848634, MONDO:0010169, OMIM 276901.

Allele frequency attached by ClinVar (database versions not stated): ExAC 0.00001; TOPMed 0.00001.
gnomAD v4.1: 7 of 1,613,430 alleles (0.00043%); highest among the groups gnomAD compares: Non-Finnish European, 0.00059%; no homozygotes.

Submissions (4):

Genome-Nilou Lab
Classification: Uncertain significance for Retinitis pigmentosa 39. Last evaluated: 2023-11-04. Review status: criteria provided, single submitter. Criteria: ACMG Guidelines, 2015. Collection method: clinical testing. Allele origin: germline. Affected: no.

Genome-Nilou Lab
Classification: Uncertain significance for Usher syndrome type 2A. Last evaluated: 2023-11-04. Review status: criteria provided, single submitter. Criteria: ACMG Guidelines, 2015. Collection method: clinical testing. Allele origin: germline. Affected: no.

Labcorp Genetics (formerly Invitae), Labcorp
Classification: Uncertain significance. Last evaluated: 2021-12-29. Review status: criteria provided, single submitter. Criteria: Invitae Variant Classification Sherloc (09022015). Collection method: clinical testing. Allele origin: germline.
Comment: This sequence change replaces glycine, which is neutral and non-polar, with aspartic acid, which is acidic and polar, at codon 420 of the USH2A protein (p.Gly420Asp). This variant is present in population databases (rs765606907, gnomAD 0.0009%). This variant has not been reported in the literature in individuals affected with USH2A-related conditions. Algorithms developed to predict the effect of missense changes on protein structure and function (SIFT, PolyPhen-2, Align-GVGD) all suggest that this variant is likely to be tolerated. In summary, the available evidence is currently insufficient to determine the role of this variant in disease. Therefore, it has been classified as a Variant of Uncertain Significance.

Revvity Omics, Revvity
Classification: Uncertain significance. Last evaluated: 2019-01-18. Review status: criteria provided, single submitter. Criteria: ACMG Guidelines, 2015. Collection method: clinical testing. Allele origin: germline.

NM_206933.4(USH2A):c.1259G>A (p.Gly420Asp)

Gene: USH2A (usherin; minus strand). Cytogenetic location: 1q41.
Variant type: single nucleotide variant.
Coding change: c.1259G>A on transcript NM_206933.4 (MANE Select); coding-DNA position 1259, G replaced by A.
Protein change: p.Gly420Asp; replaces glycine 420 with aspartic acid.
Molecular consequence: missense variant.
Genome position (GRCh38, 1-based): chr1:216,324,237, C>T on the plus strand (G>A on the coding strand, the complement: USH2A is on the minus strand). VCF-style: chr1-216324237-C-T. GRCh37 (hg19) VCF-style: chr1-216497579-C-T.
Other names: c.1259G>A (NM_206933.2); c.1259G>A, p.Gly420Asp (NM_007123.6); short protein forms G420D.
Identifiers: ClinVar variation 1904280 (VCV001904280.6), dbSNP rs765606907, ClinGen allele CA1396563.